The following is an entry in ClinVar:

GRCh37/hg19 14q32.2-32.31(chr14:99737888-101847855)

Genes: BEGAIN (brain enriched guanylate kinase associated; minus strand), CCDC85C (coiled-coil domain containing 85C; minus strand), CCNK (cyclin K; plus strand), CYP46A1 (cytochrome P450 family 46 subfamily A member 1; plus strand), DEGS2 (delta 4-desaturase, sphingolipid 2; minus strand) and 32 more. Cytogenetic location: 14q32.2-32.31.
Variant type: copy number gain.
Identifiers: ClinVar variation 625815 (VCV000625815.1).

ClinVar aggregate classification (germline): Likely pathogenic (1 of 4 stars; one submission).

Submission:

Baylor Genetics
Classification: Likely pathogenic. Last evaluated: 2018-11-01. Review status: criteria provided, single submitter. Criteria: ACMG CNV Guidelines, 2011. Collection method: clinical testing. Allele origin: germline. Observed: 1 variant allele.